The following is an entry in ClinVar:

ClinVar aggregate classification (germline): Uncertain significance (1 of 4 stars; one submission).

Conditions:
Mucopolysaccharidosis, MPS-III-C (MPS3C). Also called: SANFILIPPO SYNDROME C; MPS III C; MPS IIIC (Sanfilippo Syndrome Type C); MUCOPOLYSACCHARIDOSIS, TYPE IIIC; Mucopolysaccharidosis type IIIC (Sanfilippo C); mucopolysaccharidosis type 3C. Identifiers: Orphanet 581, Orphanet 79271, MedGen C0086649, MONDO:0009657, OMIM 252930.
Retinitis pigmentosa 73 (RP73). Identifiers: Orphanet 791, MedGen C4225287, MONDO:0014687, OMIM 616544.

Allele frequency attached by ClinVar (database versions not stated): gnomAD exomes 0.00001 and 0.00002; gnomAD 0.00002; ExAC 0.00003.
gnomAD v4.1: 19 of 1,609,668 alleles (0.0012%); highest among the groups gnomAD compares: South Asian, 0.02%; no homozygotes.

Submission:

Labcorp Genetics (formerly Invitae), Labcorp
Classification: Uncertain significance for Retinitis pigmentosa 73; Mucopolysaccharidosis, MPS-III-C. Last evaluated: 2022-02-08. Review status: criteria provided, single submitter. Criteria: Invitae Variant Classification Sherloc (09022015). Collection method: clinical testing. Allele origin: germline.
Comment: This sequence change replaces alanine, which is neutral and non-polar, with threonine, which is neutral and polar, at codon 250 of the HGSNAT protein (p.Ala250Thr). This variant is present in population databases (rs773638310, gnomAD 0.02%). This variant has not been reported in the literature in individuals affected with HGSNAT-related conditions. Advanced modeling of protein sequence and biophysical properties (such as structural, functional, and spatial information, amino acid conservation, physicochemical variation, residue mobility, and thermodynamic stability) performed at Invitae indicates that this missense variant is not expected to disrupt HGSNAT protein function. In summary, the available evidence is currently insufficient to determine the role of this variant in disease. Therefore, it has been classified as a Variant of Uncertain Significance.

NM_152419.3(HGSNAT):c.748G>A (p.Ala250Thr)

Gene: HGSNAT (heparan-alpha-glucosaminide N-acetyltransferase; plus strand). Cytogenetic location: 8p11.21.
Variant type: single nucleotide variant.
Coding change: c.748G>A on transcript NM_152419.3 (MANE Select); coding-DNA position 748, G replaced by A.
Protein change: p.Ala250Thr; replaces alanine 250 with threonine.
Molecular consequence: missense variant. On other transcripts: 5 prime UTR variant (1).
Genome position (GRCh38, 1-based): chr8:43,172,314, G>A. VCF-style: chr8-43172314-G-A. GRCh37 (hg19) VCF-style: chr8-43027457-G-A.
Other names: c.748G>A, p.Ala250Thr (NM_001363227.2, NM_001363228.2); c.-86G>A (NM_001363229.2); short protein forms A250T.
Identifiers: ClinVar variation 1512715 (VCV001512715.3), dbSNP rs773638310, ClinGen allele CA4736621.